The following is an entry in ClinVar:

NM_000059.4(BRCA2):c.7980T>A (p.Tyr2660Ter)

Gene: BRCA2 (BRCA2 DNA repair associated; plus strand). Cytogenetic location: 13q13.1.
Variant type: single nucleotide variant.
Coding change: c.7980T>A on transcript NM_000059.4 (MANE Select); coding-DNA position 7980, T replaced by A.
Protein change: p.Tyr2660Ter; replaces tyrosine 2660 with a stop codon.
Molecular consequence: nonsense.
Genome position (GRCh38, 1-based): chr13:32,363,182, T>A. VCF-style: chr13-32363182-T-A. GRCh37 (hg19) VCF-style: chr13-32937319-T-A.
Other names: short protein forms Y2660*.
Identifiers: ClinVar variation 431339 (VCV000431339.7), dbSNP rs397507949, ClinGen allele CA387748495.

ClinVar aggregate classification (germline): Pathogenic. Review status: reviewed by expert panel (3 of 4 stars). 3 submissions from 3 submitters: Pathogenic (1). 2 of the submissions do not count toward it. Last evaluated 2017-12-15.

Conditions:
Breast-ovarian cancer, familial, susceptibility to, 2 (BROVCA2). Also called: BRCA2 Hereditary Breast and Ovarian Cancer. Identifiers: Orphanet 145, MedGen C2675520, MONDO:0012933, OMIM 612555. Disease mechanism: loss of function.
Hereditary breast ovarian cancer syndrome. Also called: BRCA1- and BRCA2-Associated Hereditary Breast and Ovarian Cancer; Hereditary breast and/or ovarian cancer syndrome; Hereditary breast and ovarian cancer; Hereditary breast and ovarian cancer syndrome; Hereditary breast and ovarian cancer syndrome (HBOC); Breast and ovarian cancer. Identifiers: Orphanet 145, MedGen C0677776, MeSH D061325, MONDO:0003582. Disease mechanism: loss of function.

Submissions (3):

Evidence-based Network for the Interpretation of Germline Mutant Alleles (ENIGMA)
Classification: Pathogenic for Breast-ovarian cancer, familial, susceptibility to, 2. Last evaluated: 2017-12-15. Review status: reviewed by expert panel. Criteria: ENIGMA BRCA1/2 Classification Criteria (2017-06-29). Collection method: curation. Allele origin: germline. Study: ENIGMA.
Comment: Variant allele predicted to encode a truncated non-functional protein.

Labcorp Genetics (formerly Invitae), Labcorp
Classification: Pathogenic for Hereditary breast ovarian cancer syndrome. Last evaluated: 2021-06-28. Review status: criteria provided, single submitter. Criteria: Invitae Variant Classification Sherloc (09022015). Collection method: clinical testing. Allele origin: germline. Not counted in ClinVar's aggregate classification.
Comment: For these reasons, this variant has been classified as Pathogenic. This variant has not been reported in the literature in individuals with BRCA2-related conditions. ClinVar contains an entry for this variant (Variation ID: 431339). This variant is not present in population databases (ExAC no frequency). This sequence change creates a premature translational stop signal (p.Tyr2660*) in the BRCA2 gene. It is expected to result in an absent or disrupted protein product. Loss-of-function variants in BRCA2 are known to be pathogenic (PMID: 20104584).

Research Molecular Genetics Laboratory, Women's College Hospital, University of Toronto
Classification: Pathogenic for Hereditary breast ovarian cancer syndrome. Last evaluated: 2014-01-31. Review status: no assertion criteria provided. Collection method: research. Allele origin: germline. Affected: yes. Study: The Canadian Open Genetics Repository (COGR). Not counted in ClinVar's aggregate classification.

Literature cited by the submitters: PubMed 20104584 (cited by Labcorp Genetics (formerly Invitae), Labcorp).